The following is an entry in ClinVar:

NM_001013838.3(CARMIL2):c.4157G>A (p.Arg1386His)

Gene: CARMIL2 (capping protein regulator and myosin 1 linker 2; plus strand). Cytogenetic location: 16q22.1.
Variant type: single nucleotide variant.
Coding change: c.4157G>A on transcript NM_001013838.3 (MANE Select); coding-DNA position 4157, G replaced by A.
Protein change: p.Arg1386His; replaces arginine 1386 with histidine.
Molecular consequence: missense variant.
Genome position (GRCh38, 1-based): chr16:67,657,278, G>A. VCF-style: chr16-67657278-G-A. GRCh37 (hg19) VCF-style: chr16-67691181-G-A.
Other names: c.3968G>A, p.Arg1323His (NM_001317026.3); short protein forms R1323H, R1386H.
Identifiers: ClinVar variation 2164064 (VCV002164064.4), dbSNP rs867155152, ClinGen allele CA283214626.

ClinVar aggregate classification (germline): Uncertain significance (1 of 4 stars; one submission).

Allele frequency attached by ClinVar (database versions not stated): TOPMed 0.00002; gnomAD 0.00003.
gnomAD v4.1: 14 of 1,613,616 alleles (0.00087%); highest among the groups gnomAD compares: African/African-American, 0.011%; no homozygotes.

Submission:

Labcorp Genetics (formerly Invitae), Labcorp
Classification: Uncertain significance. Last evaluated: 2022-03-11. Review status: criteria provided, single submitter. Criteria: Invitae Variant Classification Sherloc (09022015). Collection method: clinical testing. Allele origin: germline.
Comment: This variant is present in population databases (no rsID available, gnomAD 0.01%). This sequence change replaces arginine, which is basic and polar, with histidine, which is basic and polar, at codon 1386 of the CARMIL2 protein (p.Arg1386His). This variant has not been reported in the literature in individuals affected with CARMIL2-related conditions. Algorithms developed to predict the effect of missense changes on protein structure and function are either unavailable or do not agree on the potential impact of this missense change (SIFT: "Tolerated"; PolyPhen-2: "Probably Damaging"; Align-GVGD: "Class C0"). In summary, the available evidence is currently insufficient to determine the role of this variant in disease. Therefore, it has been classified as a Variant of Uncertain Significance.